The following is an entry in ClinVar:

ClinVar aggregate classification (germline): Uncertain significance (1 of 4 stars; one submission).

Allele frequency attached by ClinVar (database versions not stated): gnomAD 0.00001; gnomAD exomes 0.00001; TOPMed 0.00001; ExAC 0.00002.
gnomAD v4.1: 7 of 1,614,020 alleles (0.00043%); highest among the groups gnomAD compares: South Asian, 0.0066%; no homozygotes.

Submission:

Labcorp Genetics (formerly Invitae), Labcorp
Classification: Uncertain significance. Last evaluated: 2022-05-27. Review status: criteria provided, single submitter. Criteria: Invitae Variant Classification Sherloc (09022015). Collection method: clinical testing. Allele origin: germline.
Comment: This sequence change replaces arginine, which is basic and polar, with histidine, which is basic and polar, at codon 426 of the HPS4 protein (p.Arg426His). This variant is present in population databases (rs747080557, gnomAD 0.006%). This variant has not been reported in the literature in individuals affected with HPS4-related conditions. Algorithms developed to predict the effect of missense changes on protein structure and function output the following: SIFT: "Tolerated"; PolyPhen-2: "Benign"; Align-GVGD: "Class C0". The histidine amino acid residue is found in multiple mammalian species, which suggests that this missense change does not adversely affect protein function. In summary, the available evidence is currently insufficient to determine the role of this variant in disease. Therefore, it has been classified as a Variant of Uncertain Significance.

NM_022081.6(HPS4):c.1277G>A (p.Arg426His)

Gene: HPS4 (HPS4 biogenesis of lysosomal organelles complex 3 subunit 2; minus strand). Cytogenetic location: 22q12.1.
Variant type: single nucleotide variant.
Coding change: c.1277G>A on transcript NM_022081.6 (MANE Select); coding-DNA position 1277, G replaced by A.
Protein change: p.Arg426His; replaces arginine 426 with histidine.
Molecular consequence: missense variant. On other transcripts: non-coding transcript variant (8).
Genome position (GRCh38, 1-based): chr22:26,464,353, C>T on the plus strand (G>A on the coding strand, the complement: HPS4 is on the minus strand). VCF-style: chr22-26464353-C-T. GRCh37 (hg19) VCF-style: chr22-26860319-C-T.
Other names: c.1277G>A, p.Arg426His (NM_001349896.1, NM_001349898.2, NM_001349899.2 and 5 more transcripts); c.1331G>A, p.Arg444His (NM_001349900.2, NM_001349901.1); c.1262G>A, p.Arg421His (NM_152841.2); short protein forms R426H, R421H, R444H.
Identifiers: ClinVar variation 1944162 (VCV001944162.2), dbSNP rs747080557, ClinGen allele CA10163358.
Genomic context (GRCh38, chr22:26,464,353, plus strand): 5'-TGGTCTTCGAGCTGCTCTTGGGCTCCATGCTGGGTCAGCATCTCAGGAGCAGAGGGAGGG[C>T]GCAAGCTGCTGATGGCTGTGTCCTCAGGAGGCGTGGGTTCCAGGCTGCTGGAGGCGCTGA-3'
Protein context (NP_071364.4, residues 416-436): PPEDTAISSL[Arg426His]PPSAPEMLTQ